The following continues an entry in ClinVar:

NM_000059.4(BRCA2):c.7007G>A (p.Arg2336His)

Gene: BRCA2. ClinVar aggregate classification (germline): Pathogenic. Pathogenic (1). ClinVar aggregate classification (oncogenicity): Oncogenic.

Submissions 9 to 19 of 50:

Color Diagnostics, LLC DBA Color Health
Classification: Pathogenic for Hereditary cancer-predisposing syndrome. Last evaluated: 2025-12-15. Review status: criteria provided, single submitter. Criteria: ACMG Guidelines, 2015. Collection method: clinical testing. Allele origin: germline. Not counted in ClinVar's aggregate classification.
Comment: This variant alters the conserved, last nucleotide c.G of exon 13 of the BRCA2 gene and is predicted to affect RNA splicing. This variant is also known as p.Arg2336His based on predicted change at the protein level. RNA studies have shown that this variant causes the out-of-frame skipping for exon 13 and exons 12 and 13 in carrier RNA (PMID: 16792514, 18489799, 20215541, 22505045). This variant has also been shown to poorly rescue BRCA2 deficiency and confer hypersensitivity to DNA damaging agents in mouse embryonic stem cells (PMID: 21719596). This variant has been reported in multiple individuals and families affected with breast and ovarian cancer (PMID: 16792514, 20215541, 22505045, 30192042). Multifactorial analysis reached a combined likelihood ratio (LR) of 513.798 based on segregation, tumor pathology, co-occurrence with a pathogenic variant, breast cancer case-control data and the personal and family history of 11 carriers (PMID: 31131967, 31853058, 40413188). This variant has also been observed in individuals affected with Fanconi anemia in compound heterozygosity with a pathogenic BRCA2 variant (PMID: 12065746, 24301060) or in homozygosity (PMID: 26968956). This variant has not been identified in the general population by the Genome Aggregation Database (gnomAD). Based on the available evidence, this variant is classified as Pathogenic.

Variantyx, Inc.
Classification: Pathogenic for Breast-ovarian cancer, familial, susceptibility to, 2. Last evaluated: 2025-10-09. Review status: criteria provided, single submitter. Criteria: Variantyx Assertion Criteria 2022. Collection method: clinical testing. Allele origin: germline. Inheritance: Autosomal dominant inheritance. Affected: yes. Not counted in ClinVar's aggregate classification.
Comment: This is a nonsynonymous variant in the BRCA2 gene (OMIM: 600185). Pathogenic variants in this gene have been associated with autosomal dominant susceptibility to familial breast ovarian cancer 2. This variant has been reported in many individuals affected with breast and/or ovarian cancer, Fanconia anemia, and acute myelogenous leukemia (PMID:22486713, 25395318, 12065746, 16115142, 26968956, 22430266). Experimental analyuses have shown that this missense change causes skipping of exon 13 (PMID:16792514, 20215541, 22505045), and fails to rescue the loss of BRCA2 in embryonic stem cells in vitro (PMID:21719596). In addition, multifactorial likelihood ratio analysis using clinical data (including co-segregation, co-occurrence, and family history data) provides very strong evidence of pathogenicity (PMID: 31131967) (PP4_Very Strong). This variant has a 0.0012% maximum allele frequency in non-founder control populations. Other reputable laboratories have reported this variant as pathogenic or likely pathogenic, and this classification has been validated by an expert panel in ClinVar (PP5). Based on the current evidence, this variant is classified as pathogenic for autosomal dominant susceptibility to familial breast ovarian cancer 2.

Cambridge Genomics Laboratory, East Genomic Laboratory Hub, NHS Genomic Medicine Service
Classification: Pathogenic for Inherited breast cancer and ovarian cancer. Last evaluated: 2025-07-17. Review status: criteria provided, single submitter. Criteria: ACGS Best Practice Guidelines for Variant Classification in Rare Disease 2020. Collection method: clinical testing. Allele origin: germline. Affected: yes. Not counted in ClinVar's aggregate classification.
Comment: PS4_Very Strong,PM2_Supporting,PP4_Strong

GeneKor MSA
Classification: Pathogenic for Hereditary breast ovarian cancer syndrome. Last evaluated: 2025-05-15. Review status: criteria provided, single submitter. Criteria: ACMG Guidelines, 2015. Collection method: clinical testing. Allele origin: germline. Affected: yes. Not counted in ClinVar's aggregate classification.
Comment: This sequence change replaces Arginine with Histidine at codon 2336 of the BRCA2 protein. It also falls at the last nucleotide of exon 13 of the BRCA2 coding sequence. The arginine residue is weakly conserved among species in a domain of the protein not known to be functionally important. There is a little physiochemical difference between arginine and histidine (Grantham Score 29). This variant is not present in population databases (rs28897743). This variant is also known as 7235G>A in the international literature and has been reported in individuals affected with breast and/or ovarian cancer, Fanconia anemia, and acute myelogenous leukemia (PMID:22486713, 25395318, 12065746, 16115142, 26968956, 22430266). The mutation database ClinVar contains entries for this variant where it is listed as pathogenic (VCV000038077.87). Experimental studies have shown that this missense change causes skipping of exon 13 (PMID:16792514, 20215541, 22505045), and fails to rescue the lethal loss of BRCA2 in mouse embryonic stem cells (PMID:21719596). A different variant affecting this nucleotide has been also reported in an individual affected with breast and/or ovarian cancer and caused the skipping of exon 13 (PMID:22505045), indicating that this nucleotide is crucial for normal mRNA splicing. Based on the classification criteria set by the ACMG and AMP (PMID:25741868) this variant has been classified as Pathogenic.

Molecular Diagnostics Laboratory, Catalan Institute of Oncology
Classification: Pathogenic for Hereditary cancer-predisposing syndrome. Last evaluated: 2025-04-14. Review status: criteria provided, single submitter. Criteria: ClinGen BRCA1BRCA2 ACMG Specifications BRCA2 V1.0.0. Collection method: clinical testing. Allele origin: germline. Not counted in ClinVar's aggregate classification.
Comment: PVS1(RNA), PM2_supporting, PP4_VeryStrong c.7007G>A, located in exon 13 of the BRCA2 gene, is predicted to result in the substitution of Arginine by Histidine at codon 7007, p.(Arg2336His). This position is outside a (potentially) clinically important functional domain. Functional studies have shown that this variants causes the skipping of exon 13 (r.6938_7007del) and exon 12 and 13 (r.6842_7007del) (PMID: 22505045, 18489799, 20215541, 16792514) (PVS1 (RNA)). It is not present in the population database gnomAD v2.1.1, non cancer dataset (PM2_supporting). This alteration was classified as a likely pathogenic variant in a multifactorial likelihood analysis showing a Combined LR for clinical data indicative of strong evidence towards pathogenic (LR 2013,979), (PMID: 31131967) (PP4_Very Strong). It has been reported as a pathogenic in ClinVar, LOVD, BRCA Exchange. Based on the currently available information, c.7007G>A is classified as a pathogenic variant according to ClinGen-BRCA2 Guidelines version 1.

Ambry Genetics
Classification: Pathogenic for Hereditary cancer-predisposing syndrome. Last evaluated: 2025-03-28. Review status: criteria provided, single submitter. Criteria: Ambry Variant Classification Scheme 2023. Collection method: clinical testing. Allele origin: germline. Not counted in ClinVar's aggregate classification.
Comment: The c.7007G>A (p.R2336H) alteration is located in exon 13 (coding exon 12) of the BRCA2 gene. This alteration results from a G to A substitution at nucleotide position 7007, causing the arginine (R) at amino acid position 2336 to be replaced by a histidine (H). However, this change occurs in the last base pair of coding exon 12, which makes it likely to have some effect on normal mRNA splicing. Alternate variant conclusion statement: Based on the supporting evidence, this alteration is interpreted as a disease-causing mutation. However, because this variant is identified in one or more patients with Fanconi Anemia it may be hypomorphic and thus, carriers of this variant and their families may present with reduced risks, and not with the typical clinical characteristics of a high-risk pathogenic BRCA2 alteration. As risk estimates are unknown at this time, clinical correlation is advised. This alteration was flagged as a low confidence call in the Genome Aggregation Database (gnomAD). This mutation has been identified in multiple families affected with breast and/or ovarian cancer (Claes, 2004; Machackova, 2008; Ahmad, 2012; Coppa, 2014; Rebbeck, 2018; Fanale, 2020). This mutation has also been reported in both a homozygous and compound heterozygous state in individuals diagnosed with Fanconi Anemia and AML (Barber, 2005; Ghazwani, 2016). A multifactorial likelihood ratio analysis that included co-segregation, tumor pathology, co-occurrence and family history data determined this alteration to be pathogenic (Parsons, 2019). Of note, this alteration is also designated as 7235G>A in published literature. This nucleotide position is highly conserved in available vertebrate species. This amino acid position is poorly conserved in available vertebrate species. The c.7007G>A mutation has been shown to result in a deletion of exon 13 from the mRNA transcript, causing a frameshift and a premature stop codon in exon 14 (Ambry internal data; Farrugia, 2008; Thomassen, 2006; Biswas, 2011; Sanz, 2010; Houdayer, 2012). The in silico prediction for this alteration is inconclusive. In silico splice site analysis predicts that this alteration may weaken the native splice donor site. Based on the available evidence, this alteration is classified as pathogenic.

Molecular Pathology, Peter Maccallum Cancer Centre
Classification: Pathogenic for Breast-ovarian cancer, familial, susceptibility to, 2. Last evaluated: 2024-11-19. Review status: criteria provided, single submitter. Criteria: ACMG Guidelines, 2015. Collection method: clinical testing. Allele origin: germline. Inheritance: Autosomal dominant inheritance. Not counted in ClinVar's aggregate classification.

Genomics and Molecular Medicine Service, East Genomic Laboratory Hub, NHS Genomic Medicine Service
Classification: Pathogenic for Inherited breast cancer and ovarian cancer. Last evaluated: 2024-10-23. Review status: criteria provided, single submitter. Criteria: ACGS Best Practice Guidelines for Variant Classification in Rare Disease 2020. Collection method: clinical testing. Allele origin: germline. Affected: yes. Not counted in ClinVar's aggregate classification.
Comment: PVS1_Strong,PS4_Very Strong,PM2_Supporting,PP4_Very Strong

Blueprint Genetics
Classification: Pathogenic for BRCA2-related disorders. Last evaluated: 2024-10-17. Review status: criteria provided, single submitter. Criteria: ACMG Guidelines, 2015. Collection method: clinical testing. Allele origin: germline. Affected: yes. Observed: 4 variant alleles. Not counted in ClinVar's aggregate classification.

Hereditary Cancer Laboratory, Hospital Universitario 12 de Octubre
Classification: Pathogenic for Hereditary cancer-predisposing syndrome. Last evaluated: 2024-10-16. Review status: criteria provided, single submitter. Criteria: ACMG Guidelines, 2015. Collection method: clinical testing. Allele origin: germline. Not counted in ClinVar's aggregate classification.
Comment: PVS1+PM2+PP3+PP5

Revvity Omics, Revvity
Classification: Pathogenic. Last evaluated: 2024-03-28. Review status: criteria provided, single submitter. Criteria: ACMG Guidelines, 2015. Collection method: clinical testing. Allele origin: germline. Not counted in ClinVar's aggregate classification.